The following is an entry in ClinVar:

NC_012920.1(MT-TD):m.7559A>G

Gene: MT-TD (mitochondrially encoded tRNA aspartic acid; plus strand).
Variant type: single nucleotide variant.
Genome position: chrM-7559-A-G.
Identifiers: ClinVar variation 690047 (VCV000690047.1), dbSNP rs1556423308, ClinGen allele CA913177409.

ClinVar aggregate classification (germline): Benign (1 of 4 stars; one submission).

Conditions:
MELAS syndrome (MELAS). Also called: Juvenile myopathy, encephalopathy, lactic acidosis, stroke. Identifiers: Orphanet 550, MedGen C0162671, MONDO:0010789, OMIM 540000.

Submission:

Wong Mito Lab, Molecular and Human Genetics, Baylor College of Medicine
Classification: Benign for MELAS syndrome. Last evaluated: 2019-07-12. Review status: criteria provided, single submitter. Criteria: Modified ACMG Guidelines (Unpublished). Collection method: clinical testing. Allele origin: germline.
Comment: The NC_012920.1:m.7559A>G variant in MT-TD gene is interpreted to be a Benign variant based on the modified ACMG guidelines (unpublished). This variant meets the following evidence codes reported in the guidelines: BS1, BS2, BP4

Literature cited by the submitters: PubMed 31965079.